The following is an entry in ClinVar:

GRCh38/hg38 18q21.2(chr18:54291850-55754281)x1

Genes: C18orf54 (chromosome 18 open reading frame 54; plus strand), CCDC68 (coiled-coil domain containing 68; minus strand), DYNAP (dynactin associated protein; plus strand), LINC01929 (long intergenic non-protein coding RNA 1929; minus strand), MIR4529 (microRNA 4529; plus strand) and 30 more. Cytogenetic location: 18q21.2.
Variant type: copy number loss.
Change: copy number 1 (one copy instead of two) of chr18:54,291,850-55,754,281 (1.46 Mb, GRCh38 coordinates, 1-based), cytogenetic band 18q21.2.
Identifiers: ClinVar variation 57286 (VCV000057286.1).

ClinVar aggregate classification (germline): Pathogenic (1 of 4 stars; one submission).

Submission:

ISCA site 4
Classification: Pathogenic. Last evaluated: 2011-08-12. Review status: criteria provided, single submitter. Criteria: Kaminsky et al. (Genet Med. 2011). Collection method: clinical testing. Allele origin: de novo. Affected: yes. Observed: 1 variant allele.
Comment: Copy number variation identified through the course of routine clinical cytogenomic testing in postnatal populations. Clinical assertions have been curated as described in Kaminsky et al. 2011.